The following is an entry in ClinVar:

NM_006231.4(POLE):c.5033A>T (p.Gln1678Leu)

Gene: POLE (DNA polymerase epsilon, catalytic subunit; minus strand). Cytogenetic location: 12q24.33.
Variant type: single nucleotide variant.
Coding change: c.5033A>T on transcript NM_006231.4 (MANE Select); coding-DNA position 5033, A replaced by T.
Protein change: p.Gln1678Leu; replaces glutamine 1678 with leucine.
Molecular consequence: missense variant.
Genome position (GRCh38, 1-based): chr12:132,642,317, T>A on the plus strand (A>T on the coding strand, the complement: POLE is on the minus strand). VCF-style: chr12-132642317-T-A. GRCh37 (hg19) VCF-style: chr12-133218903-T-A.
Other names: short protein forms Q1678L.
Identifiers: ClinVar variation 3422220 (VCV003422220.1).

ClinVar aggregate classification (germline): Uncertain significance (1 of 4 stars; one submission).

Conditions:
Hereditary cancer-predisposing syndrome. Also called: Neoplastic Syndromes, Hereditary; Tumor predisposition; Hereditary Cancer Syndrome; Hereditary neoplastic syndrome. Identifiers: Orphanet 140162, MedGen C0027672, MeSH D009386, MONDO:0015356.

Submission:

Ambry Genetics
Classification: Uncertain significance for Hereditary cancer-predisposing syndrome. Last evaluated: 2024-11-11. Review status: criteria provided, single submitter. Criteria: Ambry Variant Classification Scheme 2023. Collection method: clinical testing. Allele origin: germline.
Comment: The p.Q1678L variant (also known as c.5033A>T), located in coding exon 38 of the POLE gene, results from an A to T substitution at nucleotide position 5033. The glutamine at codon 1678 is replaced by leucine, an amino acid with dissimilar properties. This amino acid position is conserved. In addition, this alteration is predicted to be tolerated by in silico analysis. Based on the available evidence, the clinical significance of this variant remains unclear.